The following is an entry in ClinVar:

ClinVar aggregate classification (germline): Conflicting classifications of pathogenicity. Review status: criteria provided, conflicting classifications (1 of 4 stars). 2 submissions from 2 submitters: Uncertain significance (1); Likely benign (1). Last evaluated 2026-05-15.

Conditions:
Hereditary cancer-predisposing syndrome. Also called: Neoplastic Syndromes, Hereditary; Hereditary neoplastic syndrome; Hereditary Cancer Syndrome; Tumor predisposition. Identifiers: Orphanet 140162, MedGen C0027672, MeSH D009386, MONDO:0015356.

Submissions (2):

Ambry Genetics
Classification: Uncertain significance for Hereditary cancer-predisposing syndrome. Last evaluated: 2026-05-15. Review status: criteria provided, single submitter. Criteria: Ambry Variant Classification Scheme 2023. Collection method: clinical testing. Allele origin: germline.
Comment: The c.207G>A variant (also known as p.E69E), located in coding exon 2 of the NTHL1 gene, results from a G to A substitution at nucleotide position 207. This nucleotide substitution does not change the amino acid at codon 69. This nucleotide position is well conserved in available vertebrate species. In silico splice site analysis for this alteration is inconclusive. Based on the available evidence, the clinical significance of this variant remains unclear.

Labcorp Genetics (formerly Invitae), Labcorp
Classification: Likely benign. Last evaluated: 2018-05-14. Review status: criteria provided, single submitter. Criteria: Invitae Variant Classification Sherloc (09022015). Collection method: clinical testing. Allele origin: germline.

NM_002528.7(NTHL1):c.183G>A (p.Glu61=)

Gene: NTHL1 (nth like DNA glycosylase 1; minus strand). Cytogenetic location: 16p13.3.
Variant type: single nucleotide variant.
Coding change: c.183G>A on transcript NM_002528.7 (MANE Select); coding-DNA position 183, G replaced by A.
Protein change: p.Glu61=; no amino-acid change (glutamic acid 61 retained).
Molecular consequence: synonymous variant. On other transcripts: missense variant (1).
Genome position (GRCh38, 1-based): chr16:2,046,299, C>T on the plus strand (G>A on the coding strand, the complement: NTHL1 is on the minus strand). VCF-style: chr16-2046299-C-T. GRCh37 (hg19) VCF-style: chr16-2096300-C-T.
Other names: c.207G>A (NM_002528.5); c.183G>A, p.Glu61= (NM_001318193.2); c.5G>A, p.Arg2Lys (NM_001318194.2); short protein forms R2K.
Identifiers: ClinVar variation 760104 (VCV000760104.9), dbSNP rs1596223267, ClinGen allele CA492953371.